The following is an entry in ClinVar:

ClinVar aggregate classification (germline): Conflicting classifications of pathogenicity. Review status: criteria provided, conflicting classifications (1 of 4 stars). 3 submissions from 3 submitters: Uncertain significance (2); Likely benign (1). Last evaluated 2026-05-15.

Conditions:
Hereditary cancer-predisposing syndrome. Also called: Tumor predisposition; Hereditary neoplastic syndrome; Neoplastic Syndromes, Hereditary; Hereditary Cancer Syndrome. Identifiers: Orphanet 140162, MedGen C0027672, MeSH D009386, MONDO:0015356.
Ataxia-telangiectasia syndrome (AT). Also called: Ataxia-telangiectasia, complementation group D; AT, COMPLEMENTATION GROUP C; ATAXIA-TELANGIECTASIA, COMPLEMENTATION GROUP A; ATAXIA-TELANGIECTASIA, FRESNO VARIANT; Ataxia-telangiectasia; LOUIS-BAR SYNDROME. Identifiers: Orphanet 100, MedGen C0004135, MONDO:0008840, OMIM 208900.

Allele frequency attached by ClinVar (database versions not stated): gnomAD exomes below 0.00001.
gnomAD v4.1: 2 of 1,614,128 alleles (0.00012%); highest among the groups gnomAD compares: East Asian, 0.0045%; no homozygotes.

Submissions (3):

Ambry Genetics
Classification: Likely benign for Hereditary cancer-predisposing syndrome. Last evaluated: 2026-05-15. Review status: criteria provided, single submitter. Criteria: Ambry Variant Classification Scheme 2023. Collection method: clinical testing. Allele origin: germline.

Labcorp Genetics (formerly Invitae), Labcorp
Classification: Uncertain significance for Ataxia-telangiectasia syndrome. Last evaluated: 2025-06-22. Review status: criteria provided, single submitter. Criteria: Invitae Variant Classification Sherloc (09022015). Collection method: clinical testing. Allele origin: germline.
Comment: This sequence change replaces tyrosine, which is neutral and polar, with phenylalanine, which is neutral and non-polar, at codon 2371 of the ATM protein (p.Tyr2371Phe). This variant is not present in population databases (gnomAD no frequency). This missense change has been observed in individual(s) with breast cancer (PMID: 30287823). ClinVar contains an entry for this variant (Variation ID: 630472). Invitae Evidence Modeling of protein sequence and biophysical properties (such as structural, functional, and spatial information, amino acid conservation, physicochemical variation, residue mobility, and thermodynamic stability) indicates that this missense variant is not expected to disrupt ATM protein function with a negative predictive value of 95%. In summary, the available evidence is currently insufficient to determine the role of this variant in disease. Therefore, it has been classified as a Variant of Uncertain Significance.

Color Diagnostics, LLC DBA Color Health
Classification: Uncertain significance for Hereditary cancer-predisposing syndrome. Last evaluated: 2019-02-02. Review status: criteria provided, single submitter. Criteria: ACMG Guidelines, 2015. Collection method: clinical testing. Allele origin: germline.

Literature cited by the submitters: PubMed 40580951 (cited by Ambry Genetics); PubMed 30287823 (cited by Labcorp Genetics (formerly Invitae), Labcorp).

NM_000051.4(ATM):c.7112A>T (p.Tyr2371Phe)

Genes: ATM (ATM serine/threonine kinase; plus strand), C11orf65 (chromosome 11 open reading frame 65; minus strand). Cytogenetic location: 11q22.3.
Variant type: single nucleotide variant.
Coding change: c.7112A>T on transcript NM_000051.4 (MANE Select); coding-DNA position 7112, A replaced by T.
Protein change: p.Tyr2371Phe; replaces tyrosine 2371 with phenylalanine.
Molecular consequence: missense variant. On other transcripts: intron variant (2).
Genome position (GRCh38, 1-based): chr11:108,329,043, A>T. VCF-style: chr11-108329043-A-T. GRCh37 (hg19) VCF-style: chr11-108199770-A-T.
Other names: c.7112A>T, p.Tyr2371Phe (NM_001351834.2); c.641-19972T>A (NM_001330368.2); c.*38+6177T>A (NM_001351110.2); short protein forms Y2371F.
Identifiers: ClinVar variation 630472 (VCV000630472.13), dbSNP rs1565526394, ClinGen allele CA382559423.
Genomic context (GRCh38, chr11:108,329,043, plus strand): 5'-TTGTAAATATAATTTAAATTGGTTGTGTTTTCTTGAAGGCAGTAGAAGTTGCTGGAAATT[A>T]TGATGGAGAAAGTAGTGATGAGCTAAGAAATGGAAAAATGAAGGCATTTCTCTCATTAGC-3'
Protein context (NP_000042.3, residues 2361-2381): LEKAVEVAGN[Tyr2371Phe]DGESSDELRN